The following is an entry in ClinVar:

ClinVar aggregate classification (germline): Uncertain significance (1 of 4 stars; one submission).

Conditions:
IPP-related disorder.

Submission:

3billion
Classification: Uncertain significance for IPP-related disorder. Last evaluated: 2025-05-02. Review status: criteria provided, single submitter. Criteria: ACMG Guidelines, 2015. Collection method: clinical testing. Allele origin: germline. Affected: yes.
Comment: The variant is not observed in the gnomAD v4.1.0 dataset. Predicted Consequence/Location: Missense variant In silico tool predictions suggest damaging effect of the variant on gene or gene product [REVEL: 0.94 (>=0.6, sensitivity 0.68 and specificity 0.92); 3Cnet: 0.77 (> 0.75, sensitivity 0.96 and precision 0.92)]. Therefore, this variant is classified as VUS according to the recommendation of ACMG/AMP guideline.

NM_005897.3(KLHL27):c.881G>A (p.Gly294Asp)

Gene: KLHL27 (kelch-like family member 27; minus strand). Cytogenetic location: 1p34.1.
Variant type: single nucleotide variant.
Coding change: c.881G>A on transcript NM_005897.3 (MANE Select); coding-DNA position 881, G replaced by A.
Protein change: p.Gly294Asp; replaces glycine 294 with aspartic acid.
Molecular consequence: missense variant.
Genome position (GRCh38, 1-based): chr1:45,727,798, C>T on the plus strand (G>A on the coding strand, the complement: KLHL27 is on the minus strand). VCF-style: chr1-45727798-C-T. GRCh37 (hg19) VCF-style: chr1-46193470-C-T.
Other names: c.881G>A, p.Gly294Asp (NM_001145349.2); short protein forms G294D.
Identifiers: ClinVar variation 4854758 (VCV004854758.1).